The following is an entry in ClinVar:

ClinVar aggregate classification (germline): Uncertain significance (1 of 4 stars; one submission).

Conditions:
Inborn genetic diseases. Identifiers: MedGen C0950123, MeSH D030342.

Allele frequency attached by ClinVar (database versions not stated): gnomAD exomes below 0.00001; TOPMed below 0.00001; ExAC 0.00001; gnomAD 0.00001; ESP Exome Variant Server 0.00008.
gnomAD v4.1: 2 of 1,613,316 alleles (0.00012%); highest among the groups gnomAD compares: African/African-American, 0.0013%; no homozygotes.

Submission:

Ambry Genetics
Classification: Uncertain significance for Inborn genetic diseases. Last evaluated: 2018-05-01. Review status: criteria provided, single submitter. Criteria: Ambry Variant Classification Scheme 2023. Collection method: clinical testing. Allele origin: germline.
Comment: The p.Y1159D variant (also known as c.3475T>G), located in coding exon 11 of the NIPBL gene, results from a T to G substitution at nucleotide position 3475. The tyrosine at codon 1159 is replaced by aspartic acid, an amino acid with highly dissimilar properties. This amino acid position is highly conserved in available vertebrate species. In addition, the in silico prediction for this alteration is inconclusive. Since supporting evidence is limited at this time, the clinical significance of this alteration remains unclear.

NM_133433.4(NIPBL):c.3475T>G (p.Tyr1159Asp)

Gene: NIPBL (NIPBL cohesin loading factor; plus strand). Cytogenetic location: 5p13.2.
Variant type: single nucleotide variant.
Coding change: c.3475T>G on transcript NM_133433.4 (MANE Select); coding-DNA position 3475, T replaced by G.
Protein change: p.Tyr1159Asp; replaces tyrosine 1159 with aspartic acid.
Molecular consequence: missense variant.
Genome position (GRCh38, 1-based): chr5:37,000,543, T>G. VCF-style: chr5-37000543-T-G. GRCh37 (hg19) VCF-style: chr5-37000645-T-G.
Other names: c.3475T>G, p.Tyr1159Asp (NM_015384.5); short protein forms Y1159D.
Identifiers: ClinVar variation 1731780 (VCV001731780.2), dbSNP rs369496238, ClinGen allele CA3236341.